The following is an entry in ClinVar:

NM_000642.3(AGL):c.1290T>G (p.Phe430Leu)

Gene: AGL (amylo-alpha-1,6-glucosidase and 4-alpha-glucanotransferase; plus strand). Cytogenetic location: 1p21.2.
Variant type: single nucleotide variant.
Coding change: c.1290T>G on transcript NM_000642.3 (MANE Select); coding-DNA position 1290, T replaced by G.
Protein change: p.Phe430Leu; replaces phenylalanine 430 with leucine.
Molecular consequence: missense variant.
Genome position (GRCh38, 1-based): chr1:99,876,464, T>G. VCF-style: chr1-99876464-T-G. GRCh37 (hg19) VCF-style: chr1-100342020-T-G.
Other names: c.1290T>G, p.Phe430Leu (NM_000028.3, NM_000643.3, NM_000644.3 and 2 more transcripts); c.1242T>G, p.Phe414Leu (NM_000646.3); c.1089T>G, p.Phe363Leu (NM_001425327.1); c.1086T>G, p.Phe362Leu (NM_001425328.1, NM_001425329.1); c.912T>G, p.Phe304Leu (NM_001425332.1); short protein forms F304L, F362L, F363L, F414L, F430L.
Identifiers: ClinVar variation 3609437 (VCV003609437.2).

ClinVar aggregate classification (germline): Uncertain significance (1 of 4 stars; one submission).

Conditions:
Glycogen storage disease type III (GSD3). Also called: Cori disease; FORBES DISEASE. Identifiers: Orphanet 366, MedGen C0017922, MONDO:0009291, OMIM 232400.

gnomAD v4.1: 3 of 1,592,442 alleles (0.00019%); highest among the groups gnomAD compares: South Asian, 0.0033%; no homozygotes.

Submission:

Labcorp Genetics (formerly Invitae), Labcorp
Classification: Uncertain significance for Glycogen storage disease type III. Last evaluated: 2024-07-15. Review status: criteria provided, single submitter. Criteria: Invitae Variant Classification Sherloc (09022015). Collection method: clinical testing. Allele origin: germline.
Comment: This sequence change replaces phenylalanine, which is neutral and non-polar, with leucine, which is neutral and non-polar, at codon 430 of the AGL protein (p.Phe430Leu). This variant is not present in population databases (gnomAD no frequency). This variant has not been reported in the literature in individuals affected with AGL-related conditions. Advanced modeling of protein sequence and biophysical properties (such as structural, functional, and spatial information, amino acid conservation, physicochemical variation, residue mobility, and thermodynamic stability) performed at Invitae indicates that this missense variant is expected to disrupt AGL protein function with a positive predictive value of 80%. In summary, the available evidence is currently insufficient to determine the role of this variant in disease. Therefore, it has been classified as a Variant of Uncertain Significance.